The following is an entry in ClinVar:

ClinVar aggregate classification (germline): Likely benign (1 of 4 stars; one submission).

gnomAD v4.1: 23 of 1,613,608 alleles (0.0014%); highest among the groups gnomAD compares: Non-Finnish European, 0.0018%; 1 homozygote.

Submission:

CeGaT Center for Human Genetics Tuebingen
Classification: Likely benign. Last evaluated: 2025-08-01. Review status: criteria provided, single submitter. Criteria: CeGaT Center For Human Genetics Tuebingen Variant Classification Criteria Version 2. Collection method: clinical testing. Allele origin: germline. Affected: yes. Observed: 1 variant allele.
Comment: ITGA2: BP4, BP7

NM_002203.4(ITGA2):c.732A>G (p.Gln244=)

Gene: ITGA2 (integrin subunit alpha 2; plus strand). Cytogenetic location: 5q11.2.
Variant type: single nucleotide variant.
Coding change: c.732A>G on transcript NM_002203.4 (MANE Select); coding-DNA position 732, A replaced by G.
Protein change: p.Gln244=; no amino-acid change (glutamine 244 retained).
Molecular consequence: synonymous variant. On other transcripts: non-coding transcript variant (5).
Genome position (GRCh38, 1-based): chr5:53,051,512, A>G. VCF-style: chr5-53051512-A-G. GRCh37 (hg19) VCF-style: chr5-52347342-A-G.
Identifiers: ClinVar variation 4084982 (VCV004084982.8).
Genomic context (GRCh38, chr5:53,051,512, plus strand): 5'-TAACTTGAACACATATAAAACCAAAGAAGAAATGATTGTAGCAACATCCCAGACATCCCA[A>G]TATGGTGGGGACCTCACAAACACATTCGGAGCAATTCAATATGCAAGGTAAGTTTTGGTG-3'
Protein context (NP_002194.2, residues 234-254): EMIVATSQTS[Gln244=]YGGDLTNTFG